The following is an entry in ClinVar:

ClinVar aggregate classification (germline): Uncertain significance (1 of 4 stars; one submission).

gnomAD v4.1: 4 of 1,613,972 alleles (0.00025%); highest among the groups gnomAD compares: South Asian, 0.0011%; no homozygotes.

Submission:

Labcorp Genetics (formerly Invitae), Labcorp
Classification: Uncertain significance. Last evaluated: 2025-04-03. Review status: criteria provided, single submitter. Criteria: Invitae Variant Classification Sherloc (09022015). Collection method: clinical testing. Allele origin: germline.
Comment: This sequence change replaces alanine, which is neutral and non-polar, with valine, which is neutral and non-polar, at codon 573 of the TRRAP protein (p.Ala573Val). This variant is present in population databases (no rsID available, gnomAD 0.003%). This variant has not been reported in the literature in individuals affected with TRRAP-related conditions. Invitae Evidence Modeling of protein sequence and biophysical properties (such as structural, functional, and spatial information, amino acid conservation, physicochemical variation, residue mobility, and thermodynamic stability) indicates that this missense variant is not expected to disrupt TRRAP protein function with a negative predictive value of 80%. In summary, the available evidence is currently insufficient to determine the role of this variant in disease. Therefore, it has been classified as a Variant of Uncertain Significance.

NM_001375524.1(TRRAP):c.1718C>T (p.Ala573Val)

Gene: TRRAP (transformation/transcription domain associated protein; plus strand). Cytogenetic location: 7q22.1.
Variant type: single nucleotide variant.
Coding change: c.1718C>T on transcript NM_001375524.1 (MANE Select); coding-DNA position 1718, C replaced by T.
Protein change: p.Ala573Val; replaces alanine 573 with valine.
Molecular consequence: missense variant.
Genome position (GRCh38, 1-based): chr7:98,910,513, C>T. VCF-style: chr7-98910513-C-T. GRCh37 (hg19) VCF-style: chr7-98508136-C-T.
Other names: c.1718C>T, p.Ala573Val (NM_001244580.2, NM_003496.4); short protein forms A573V.
Identifiers: ClinVar variation 4766887 (VCV004766887.1).